The following is an entry in ClinVar:

NM_004006.3(DMD):c.2461G>T (p.Glu821Ter)

Gene: DMD (dystrophin; minus strand). Cytogenetic location: Xp21.1.
Variant type: single nucleotide variant.
Coding change: c.2461G>T on transcript NM_004006.3 (MANE Select); coding-DNA position 2461, G replaced by T.
Protein change: p.Glu821Ter; replaces glutamic acid 821 with a stop codon.
Molecular consequence: nonsense.
Genome position (GRCh38, 1-based): chrX:32,491,438, C>A on the plus strand (G>T on the coding strand, the complement: DMD is on the minus strand). VCF-style: chrX-32491438-C-A. GRCh37 (hg19) VCF-style: chrX-32509555-C-A.
Other names: c.2437G>T, p.Glu813Ter (NM_000109.4); c.2449G>T, p.Glu817Ter (NM_004009.3); c.2092G>T, p.Glu698Ter (NM_004010.3); short protein forms E817*, E821*, E813*, E698*.
Identifiers: ClinVar variation 803912 (VCV000803912.2), dbSNP rs1603634745, ClinGen allele CA412672666.
Genomic context (GRCh38, chrX:32,491,438, plus strand): 5'-GTTGTAGCTGATTATAGAAAGCGATGATGTTGTTCTGATACTCCAGCCAGTTAAGTCTCT[C>A]ACTTAGCAACTGGCAGAATTCGATCCACCGGCTGTTCAGTTGTTCTGAGGCTTGTTTGAT-3'

ClinVar aggregate classification (germline): Pathogenic. Review status: criteria provided, multiple submitters, no conflicts (2 of 4 stars). 2 submissions from 2 submitters: Pathogenic (2). Last evaluated 2024-05-08.

Conditions:
Duchenne muscular dystrophy (DMD). Also called: Duchenne Muscular Dystrophy (DMD); MUSCULAR DYSTROPHY, PSEUDOHYPERTROPHIC PROGRESSIVE, DUCHENNE TYPE. Identifiers: Orphanet 98896, MedGen C0013264, MONDO:0010679, OMIM 310200.
Progressive muscular dystrophy. Identifiers: Orphanet 206644, MedGen C4551827, MONDO:0016106.

Submissions (2):

Myriad Genetics, Inc.
Classification: Pathogenic for Progressive muscular dystrophy. Last evaluated: 2024-05-08. Review status: criteria provided, single submitter. Criteria: Myriad Autosomal Dominant, Autosomal Recessive and X-Linked Classification Criteria (2023). Collection method: clinical testing. Allele origin: unknown.
Comment: NM_004006.2(DMD):c.2461G>T(E821*) is expected to be pathogenic in the context of dystrophinopathy (including Duchenne/Becker muscular dystrophy). This variant is predicted to lead to an abnormal or absent protein product due to the creation of a premature termination codon in DMD, a gene where loss-of-function variants are known to be pathogenic. Please note: this variant was assessed in the context of healthy population screening.

Mendelics
Classification: Pathogenic for Duchenne muscular dystrophy. Last evaluated: 2019-05-28. Review status: criteria provided, single submitter. Criteria: Mendelics Assertion Criteria 2017. Collection method: clinical testing. Allele origin: unknown.